The following is an entry in ClinVar:

NM_004655.4(AXIN2):c.385C>A (p.Arg129=)

Gene: AXIN2 (axin 2; minus strand). Cytogenetic location: 17q24.1.
Variant type: single nucleotide variant.
Coding change: c.385C>A on transcript NM_004655.4 (MANE Select); coding-DNA position 385, C replaced by A.
Protein change: p.Arg129=; no amino-acid change (arginine 129 retained).
Molecular consequence: synonymous variant.
Genome position (GRCh38, 1-based): chr17:65,558,236, G>T on the plus strand (C>A on the coding strand, the complement: AXIN2 is on the minus strand). VCF-style: chr17-65558236-G-T. GRCh37 (hg19) VCF-style: chr17-63554354-G-T.
Other names: c.385C>A, p.Arg129= (NM_001363813.1).
Identifiers: ClinVar variation 3254343 (VCV003254343.2), dbSNP rs2544251507.

ClinVar aggregate classification (germline): Benign/Likely benign. Review status: criteria provided, multiple submitters, no conflicts (2 of 4 stars). 2 submissions from 2 submitters: Benign (1); Likely benign (1). Last evaluated 2025-06-08.

Conditions:
Oligodontia-cancer predisposition syndrome. Also called: TOOTH AGENESIS-COLORECTAL CANCER SYNDROME. Identifiers: Orphanet 300576, MedGen C1837750, MONDO:0012075, OMIM 608615. Disease mechanism: loss of function.

Submissions (2):

Labcorp Genetics (formerly Invitae), Labcorp
Classification: Likely benign for Oligodontia-cancer predisposition syndrome. Last evaluated: 2025-06-08. Review status: criteria provided, single submitter. Criteria: Invitae Variant Classification Sherloc (09022015). Collection method: clinical testing. Allele origin: germline.

Myriad Genetics, Inc.
Classification: Benign for Oligodontia-cancer predisposition syndrome. Last evaluated: 2024-06-26. Review status: criteria provided, single submitter. Criteria: Myriad Autosomal Dominant, Autosomal Recessive and X-Linked Classification Criteria (2023). Collection method: clinical testing. Allele origin: unknown.
Comment: This variant is considered benign. This variant is a silent/synonymous amino acid change and it is not expected to impact splicing.